The following is an entry in ClinVar:

ClinVar aggregate classification (germline): not provided (0 of 4 stars; one submission).

Conditions:
Familial long QT syndrome (RWS). Also called: Congenital long QT syndrome; Romano-Ward syndrome; VENTRICULAR FIBRILLATION WITH PROLONGED QT INTERVAL. Identifiers: Orphanet 768, MedGen C1141890, MONDO:0019171.

Submission:

Cardiovascular Biomedical Research Unit, Royal Brompton & Harefield NHS Foundation Trust
No classification provided. Condition: Familial long QT syndrome. Review status: no classification provided. Collection method: literature only. Allele origin: germline.
Comment: This variant has been reported as associated with Long QT syndrome in the following publications (PMID:19716085). This is a literature report, and does not necessarily reflect the clinical interpretation of the Imperial College / Royal Brompton Cardiovascular Genetics laboratory.

Literature cited by the submitters: PubMed 19716085; PubMed 22581653.

NM_000238.4(KCNH2):c.1942G>A (p.Gly648Ser)

Gene: KCNH2 (potassium voltage-gated channel subfamily H member 2; minus strand). Cytogenetic location: 7q36.1.
Variant type: single nucleotide variant.
Coding change: c.1942G>A on transcript NM_000238.4 (MANE Select); coding-DNA position 1942, G replaced by A.
Protein change: p.Gly648Ser; replaces glycine 648 with serine.
Molecular consequence: missense variant.
Genome position (GRCh38, 1-based): chr7:150,951,451, C>T on the plus strand (G>A on the coding strand, the complement: KCNH2 is on the minus strand). VCF-style: chr7-150951451-C-T. GRCh37 (hg19) VCF-style: chr7-150648539-C-T.
Other names: c.1942G>A (LRG_288t1); c.922G>A, p.Gly308Ser (NM_001204798.2, NM_172057.3); c.1654G>A, p.Gly552Ser (NM_001406753.1, NM_001406756.1); c.1765G>A, p.Gly589Ser (NM_001406755.1); c.1642G>A, p.Gly548Ser (NM_001406757.1); c.1942G>A, p.Gly648Ser (NM_172056.3); short protein forms G308S, G648S, G548S, G552S, G589S.
Identifiers: ClinVar variation 67344 (VCV000067344.3), dbSNP rs199472975, ClinGen allele CA006064.